The following is an entry in ClinVar:

NM_001271938.2(MEGF8):c.3760C>T (p.Arg1254Trp)

Gene: MEGF8 (multiple EGF like domains 8; plus strand). Cytogenetic location: 19q13.2.
Variant type: single nucleotide variant.
Coding change: c.3760C>T on transcript NM_001271938.2 (MANE Select); coding-DNA position 3760, C replaced by T.
Protein change: p.Arg1254Trp; replaces arginine 1254 with tryptophan.
Molecular consequence: missense variant.
Genome position (GRCh38, 1-based): chr19:42,353,674, C>T. VCF-style: chr19-42353674-C-T. GRCh37 (hg19) VCF-style: chr19-42857826-C-T.
Other names: c.3559C>T, p.Arg1187Trp (NM_001410.3); short protein forms R1254W, R1187W.
Identifiers: ClinVar variation 1500626 (VCV001500626.8), dbSNP rs200195292, ClinGen allele CA9475059.

ClinVar aggregate classification (germline): Uncertain significance (1 of 4 stars; one submission).

Conditions:
MEGF8-related Carpenter syndrome. Also called: Carpenter syndrome 2. Identifiers: Orphanet 65759, MedGen C3554247, MONDO:0013998, OMIM 614976.

Allele frequency attached by ClinVar (database versions not stated): gnomAD exomes 0.00003 and 0.00005; TOPMed 0.00007; ExAC 0.00008; gnomAD 0.00009; 1000 Genomes Project 0.00020; 1000 Genomes Project 30x 0.00031.
gnomAD v4.1: 55 of 1,575,984 alleles (0.0035%); highest among the groups gnomAD compares: East Asian, 0.016%; no homozygotes.

Submission:

Labcorp Genetics (formerly Invitae), Labcorp
Classification: Uncertain significance for MEGF8-related Carpenter syndrome. Last evaluated: 2021-04-02. Review status: criteria provided, single submitter. Criteria: Invitae Variant Classification Sherloc (09022015). Collection method: clinical testing. Allele origin: germline.
Comment: This variant has not been reported in the literature in individuals with MEGF8-related conditions. This variant is present in population databases (rs200195292, ExAC 0.05%). This sequence change replaces arginine with tryptophan at codon 1187 of the MEGF8 protein (p.Arg1187Trp). The arginine residue is highly conserved and there is a moderate physicochemical difference between arginine and tryptophan. Algorithms developed to predict the effect of missense changes on protein structure and function are either unavailable or do not agree on the potential impact of this missense change (SIFT: "Deleterious"; PolyPhen-2: "Probably Damaging"; Align-GVGD: "Class C0"). In summary, the available evidence is currently insufficient to determine the role of this variant in disease. Therefore, it has been classified as a Variant of Uncertain Significance.